The following is an entry in ClinVar:

NM_000426.4(LAMA2):c.8569C>T (p.Gln2857Ter)

Gene: LAMA2 (laminin subunit alpha 2; plus strand). Cytogenetic location: 6q22.33.
Variant type: single nucleotide variant.
Coding change: c.8569C>T on transcript NM_000426.4 (MANE Select); coding-DNA position 8569, C replaced by T.
Protein change: p.Gln2857Ter; replaces glutamine 2857 with a stop codon.
Molecular consequence: nonsense.
Genome position (GRCh38, 1-based): chr6:129,505,221, C>T. VCF-style: chr6-129505221-C-T. GRCh37 (hg19) VCF-style: chr6-129826366-C-T.
Other names: c.8557C>T, p.Gln2853Ter (NM_001079823.2); short protein forms Q2853*, Q2857*.
Identifiers: ClinVar variation 3234980 (VCV003234980.1), dbSNP rs767799742, ClinGen allele CA365634758.

ClinVar aggregate classification (germline): Likely pathogenic (1 of 4 stars; one submission).

Conditions:
Merosin deficient congenital muscular dystrophy (MDC1A). Also called: Congenital merosin-deficient muscular dystrophy 1A; Congenital Muscular Dystrophy Type 1A (MDC1A). Identifiers: Orphanet 258, MedGen C1263858, MONDO:0011925, OMIM 607855.

Submission:

Neuberg Centre For Genomic Medicine, NCGM
Classification: Likely pathogenic for Merosin deficient congenital muscular dystrophy. Review status: criteria provided, single submitter. Criteria: ACMG Guidelines, 2015. Collection method: clinical testing. Allele origin: germline. Inheritance: Autosomal recessive inheritance. Affected: yes.
Comment: The stop gained c.8569C>T p.Gln2857Ter variant in LAMA2 gene has not been reported previously as a pathogenic variant nor as a benign variant, to our knowledge. The c.8569C>T variant is novel not in any individuals in gnomAD Exomes and 1000 Genomes. This variant has been not reported to the ClinVar database. The nucleotide change c.8569C>T in LAMA2 is predicted as conserved by GERP++ and PhyloP across 100 vertebrates. This sequence change creates a premature translational stop signal p.Gln2857Ter in the LAMA2 gene. This variant is predicted to cause loss of normal protein function through protein truncation. Loss of function variants in LAMA2 gene have been previously reported to be pathogenic Magri et al., 2020. However, additional functional studies will be required to prove the pathogenicity of this variant. For these reasons, this variant has been classified as Likely Pathogenic.